The following is an entry in ClinVar:

ClinVar aggregate classification (germline): Uncertain significance (1 of 4 stars; one submission).

gnomAD v4.1: 6 of 1,596,418 alleles (0.00038%); highest among the groups gnomAD compares: Non-Finnish European, 0.00051%; no homozygotes.

Submission:

Women's Health and Genetics/Laboratory Corporation of America, LabCorp
Classification: Uncertain significance. Last evaluated: 2026-05-26. Review status: criteria provided, single submitter. Criteria: LabCorp Variant Classification Summary - May 2015. Collection method: clinical testing. Allele origin: germline.
Comment: Variant summary: NEB c.3265A>G (p.Lys1089Glu) results in a conservative amino acid change in the encoded protein sequence. Algorithms developed to predict the effect of missense changes on protein structure and function are either unavailable or do not agree on the potential impact of this missense change. The variant was absent in 238038 control chromosomes. The available data on variant occurrences in the general population are insufficient to allow any conclusion about variant significance. To our knowledge, no occurrence of c.3265A>G in individuals affected with NEB-related conditions and no experimental evidence demonstrating its impact on protein function have been reported. No submitters have cited clinical-significance assessments for this variant to ClinVar. Based on the evidence outlined above, the variant was classified as uncertain significance.

NM_001164508.2(NEB):c.3265A>G (p.Lys1089Glu)

Gene: NEB (nebulin; minus strand). Cytogenetic location: 2q23.3.
Variant type: single nucleotide variant.
Coding change: c.3265A>G on transcript NM_001164508.2 (MANE Select); coding-DNA position 3265, A replaced by G.
Protein change: p.Lys1089Glu; replaces lysine 1089 with glutamic acid.
Molecular consequence: missense variant.
Genome position (GRCh38, 1-based): chr2:151,678,178, T>C on the plus strand (A>G on the coding strand, the complement: NEB is on the minus strand). VCF-style: chr2-151678178-T-C. GRCh37 (hg19) VCF-style: chr2-152534692-T-C.
Other names: c.3265A>G, p.Lys1089Glu (NM_001164507.2, NM_001271208.2, NM_004543.5); short protein forms K1089E.
Identifiers: ClinVar variation 4853672 (VCV004853672.1).